The following is an entry in ClinVar:

NM_001374259.2(IL12RB2):c.1697A>G (p.Asn566Ser)

Gene: IL12RB2 (interleukin 12 receptor subunit beta 2; plus strand). Cytogenetic location: 1p31.3.
Variant type: single nucleotide variant.
Coding change: c.1697A>G on transcript NM_001374259.2 (MANE Select); coding-DNA position 1697, A replaced by G.
Protein change: p.Asn566Ser; replaces asparagine 566 with serine.
Molecular consequence: missense variant. On other transcripts: non-coding transcript variant (1), intron variant (1).
Genome position (GRCh38, 1-based): chr1:67,372,763, A>G. VCF-style: chr1-67372763-A-G. GRCh37 (hg19) VCF-style: chr1-67838446-A-G.
Other names: c.1697A>G (NM_001559.2); c.1697A>G, p.Asn566Ser (NM_001258214.1, NM_001258216.1, NM_001319233.1 and 1 more transcripts); c.1459+4738A>G (NM_001258215.1); short protein forms N566S.
Identifiers: ClinVar variation 1413897 (VCV001413897.9), dbSNP rs779532305, ClinGen allele CA900547.

ClinVar aggregate classification (germline): Uncertain significance. Review status: criteria provided, multiple submitters, no conflicts (2 of 4 stars). 2 submissions from 2 submitters: Uncertain significance (2). Last evaluated 2024-11-08.

Allele frequency attached by ClinVar (database versions not stated): ExAC 0.00002; gnomAD 0.00002 and 0.00003; gnomAD exomes 0.00002; TOPMed 0.00003.

Submissions (2):

Ambry Genetics
Classification: Uncertain significance. Last evaluated: 2024-11-08. Review status: criteria provided, single submitter. Criteria: Ambry Variant Classification Scheme 2023. Collection method: clinical testing. Allele origin: germline.

Labcorp Genetics (formerly Invitae), Labcorp
Classification: Uncertain significance. Last evaluated: 2024-02-17. Review status: criteria provided, single submitter. Criteria: Invitae Variant Classification Sherloc (09022015). Collection method: clinical testing. Allele origin: germline.
Comment: This sequence change replaces asparagine, which is neutral and polar, with serine, which is neutral and polar, at codon 566 of the IL12RB2 protein (p.Asn566Ser). This variant is present in population databases (rs779532305, gnomAD 0.003%). This variant has not been reported in the literature in individuals affected with IL12RB2-related conditions. ClinVar contains an entry for this variant (Variation ID: 1413897). Algorithms developed to predict the effect of missense changes on protein structure and function output the following: SIFT: "Not Available"; PolyPhen-2: "Benign"; Align-GVGD: "Not Available". The serine amino acid residue is found in multiple mammalian species, which suggests that this missense change does not adversely affect protein function. In summary, the available evidence is currently insufficient to determine the role of this variant in disease. Therefore, it has been classified as a Variant of Uncertain Significance.